The following is an entry in ClinVar:

NM_015466.4(PTPN23):c.3288G>A (p.Pro1096=)

Gene: PTPN23 (protein tyrosine phosphatase non-receptor type 23; plus strand). Cytogenetic location: 3p21.31.
Variant type: single nucleotide variant.
Coding change: c.3288G>A on transcript NM_015466.4 (MANE Select); coding-DNA position 3288, G replaced by A.
Protein change: p.Pro1096=; no amino-acid change (proline 1096 retained).
Molecular consequence: synonymous variant.
Genome position (GRCh38, 1-based): chr3:47,411,086, G>A. VCF-style: chr3-47411086-G-A. GRCh37 (hg19) VCF-style: chr3-47452576-G-A.
Other names: c.2910G>A, p.Pro970= (NM_001304482.2).
Identifiers: ClinVar variation 2653757 (VCV002653757.25), dbSNP rs3733090, ClinGen allele CA2366236.
Genomic context (GRCh38, chr3:47,411,086, plus strand): 5'-CCAGTCCACCCCTAGTCCCCACCTGGTGCCTTCACCTGCCCCATCTCCAGGGCCTGGTCC[G>A]GTACCCCCTCGCCCCCCAGCAGCAGAACCACCCCCTTGCCTGCGCCGAGGCGCCGCAGCT-3'
Protein context (NP_056281.1, residues 1086-1106): PSPAPSPGPG[Pro1096=]VPPRPPAAEP

ClinVar aggregate classification (germline): Likely benign. Review status: criteria provided, multiple submitters, no conflicts (2 of 4 stars). 2 submissions from 2 submitters: Likely benign (2). Last evaluated 2026-01-13.

Allele frequency attached by ClinVar (database versions not stated): TOPMed below 0.00001; gnomAD 0.00001; gnomAD exomes 0.00002; ExAC 0.00007.

Submissions (2):

Labcorp Genetics (formerly Invitae), Labcorp
Classification: Likely benign. Last evaluated: 2026-01-13. Review status: criteria provided, single submitter. Criteria: Invitae Variant Classification Sherloc (09022015). Collection method: clinical testing. Allele origin: germline.

CeGaT Center for Human Genetics Tuebingen
Classification: Likely benign. Last evaluated: 2023-04-01. Review status: criteria provided, single submitter. Criteria: CeGaT Center For Human Genetics Tuebingen Variant Classification Criteria Version 2. Collection method: clinical testing. Allele origin: germline. Affected: yes. Observed: 1 variant allele.
Comment: PTPN23: BP4, BP7